The following is an entry in ClinVar:

NM_182919.4(TICAM1):c.1940A>G (p.Gln647Arg)

Gene: TICAM1 (TIR domain containing adaptor molecule 1; minus strand). Cytogenetic location: 19p13.3.
Variant type: single nucleotide variant.
Coding change: c.1940A>G on transcript NM_182919.4 (MANE Select); coding-DNA position 1940, A replaced by G.
Protein change: p.Gln647Arg; replaces glutamine 647 with arginine.
Molecular consequence: missense variant.
Genome position (GRCh38, 1-based): chr19:4,816,438, T>C on the plus strand (A>G on the coding strand, the complement: TICAM1 is on the minus strand). VCF-style: chr19-4816438-T-C. GRCh37 (hg19) VCF-style: chr19-4816450-T-C.
Other names: c.1898A>G, p.Gln633Arg (NM_001385678.1); c.1805A>G, p.Gln602Arg (NM_001385679.1); c.1298A>G, p.Gln433Arg (NM_001385680.1); short protein forms Q633R, Q647R, Q602R, Q433R.
Identifiers: ClinVar variation 2131625 (VCV002131625.4), dbSNP rs2512397316, ClinGen allele CA403488514.

ClinVar aggregate classification (germline): Uncertain significance (1 of 4 stars; one submission).

Conditions:
Encephalopathy, acute, infection-induced (herpes-specific), susceptibility to, 6. Also called: Herpes simplex encephalitis, susceptibility to, 4. Identifiers: Orphanet 1930, MedGen C3553869, MONDO:0013921, OMIM 614850.

Submission:

Labcorp Genetics (formerly Invitae), Labcorp
Classification: Uncertain significance for Encephalopathy, acute, infection-induced (herpes-specific), susceptibility to, 6. Last evaluated: 2022-04-29. Review status: criteria provided, single submitter. Criteria: Invitae Variant Classification Sherloc (09022015). Collection method: clinical testing. Allele origin: germline.
Comment: This variant is not present in population databases (gnomAD no frequency). This sequence change replaces glutamine, which is neutral and polar, with arginine, which is basic and polar, at codon 647 of the TICAM1 protein (p.Gln647Arg). This variant has not been reported in the literature in individuals affected with TICAM1-related conditions. In summary, the available evidence is currently insufficient to determine the role of this variant in disease. Therefore, it has been classified as a Variant of Uncertain Significance. Algorithms developed to predict the effect of missense changes on protein structure and function (SIFT, PolyPhen-2, Align-GVGD) all suggest that this variant is likely to be tolerated.